The following is an entry in ClinVar:

NM_012268.4(PLD3):c.408G>A (p.Thr136=)

Gene: PLD3 (phospholipase D family member 3; plus strand). Cytogenetic location: 19q13.2.
Variant type: single nucleotide variant.
Coding change: c.408G>A on transcript NM_012268.4 (MANE Select); coding-DNA position 408, G replaced by A.
Protein change: p.Thr136=; no amino-acid change (threonine 136 retained).
Molecular consequence: synonymous variant.
Genome position (GRCh38, 1-based): chr19:40,367,858, G>A. VCF-style: chr19-40367858-G-A. GRCh37 (hg19) VCF-style: chr19-40873765-G-A.
Other names: p.Thr136=; c.408G>A, p.Thr136= (NM_001031696.4, NM_001291311.2).
Identifiers: ClinVar variation 2160088 (VCV002160088.5), dbSNP rs367802500, ClinGen allele CA308386783.
Genomic context (GRCh38, chr19:40,367,858, plus strand): 5'-GCACAGCAGCCTGGACATCGCCTCCTTCTACTGGACCCTCACCAACAATGACACCCACAC[G>A]CAGGAGCCCTCTGCCCAGCAGGTACCTGCAACCTTGGCCCTGGCCGGCAGCAGGGGCAGG-3'
Protein context (NP_036400.2, residues 126-146): YWTLTNNDTH[Thr136=]QEPSAQQGEE

ClinVar aggregate classification (germline): Likely benign. Review status: criteria provided, multiple submitters, no conflicts (2 of 4 stars). 2 submissions from 2 submitters: Likely benign (2). Last evaluated 2025-05-06.

Allele frequency attached by ClinVar (database versions not stated): TOPMed 0.00004; gnomAD 0.00007.
gnomAD v4.1: 45 of 1,558,440 alleles (0.0029%); highest among the groups gnomAD compares: Middle Eastern, 0.017%; 1 homozygote.

Submissions (2):

Mayo Clinic Laboratories, Mayo Clinic
Classification: Likely benign. Last evaluated: 2025-05-06. Review status: criteria provided, single submitter. Criteria: ACMG Guidelines, 2015. Collection method: clinical testing. Allele origin: germline. Observed: 1 variant allele.
Comment: BP4, BP7

Labcorp Genetics (formerly Invitae), Labcorp
Classification: Likely benign. Last evaluated: 2022-10-03. Review status: criteria provided, single submitter. Criteria: Invitae Variant Classification Sherloc (09022015). Collection method: clinical testing. Allele origin: germline.